The following is an entry in ClinVar:

ClinVar aggregate classification (germline): Pathogenic. Review status: criteria provided, single submitter (1 of 4 stars). 2 submissions from 2 submitters: Pathogenic (1). 1 of the submissions does not count toward it. Last evaluated 2016-07-01.

Conditions:
Ichthyosis, congenital, autosomal recessive 14. Identifiers: MedGen C4539754, MONDO:0033091, OMIM 617571.
Autosomal recessive congenital ichthyosis 2 (ARCI2). Identifiers: Orphanet 281122, Orphanet 79394, MedGen C3888093, MONDO:0009439, OMIM 242100.

Submissions (2):

Institute for Human Genetics, University Medical Center Freiburg
Classification: Pathogenic for Autosomal recessive congenital ichthyosis 2. Last evaluated: 2016-07-01. Review status: criteria provided, single submitter. Criteria: Heinz et al. (Am J Hum Genet. 2017 ). Collection method: clinical testing. Allele origin: de novo. Affected: yes. Observed: 1 variant allele.

OMIM
Classification: Pathogenic for ICHTHYOSIS, CONGENITAL, AUTOSOMAL RECESSIVE 14. Last evaluated: 2017-07-13. Review status: no assertion criteria provided. Collection method: literature only. Allele origin: germline. Not counted in ClinVar's aggregate classification.

Literature cited by the submitters: PubMed 28575648 (cited by OMIM).

NM_177973.2(SULT2B1):c.364dup (p.Met122fs)

Gene: SULT2B1 (sulfotransferase family 2B member 1; plus strand). Cytogenetic location: 19q13.33.
Variant type: Duplication.
Coding change: c.364dup on transcript NM_177973.2 (MANE Select); coding-DNA position 364, one base duplicated (A; older notation c.364dupA).
Protein change: p.Met122fs; shifts the reading frame from methionine 122.
Molecular consequence: frameshift variant.
Genome position (GRCh38, 1-based): chr19:48,587,378, A duplicated. VCF-style (leftmost placement, unchanged base first): chr19-48587377-C-CA. GRCh37 (hg19) VCF-style: chr19-49090634-C-CA.
Other names: c.319dup, p.Met107fs (NM_004605.2); c.364dupA (NM_177973.1); short protein forms M107fs, M122fs.
Identifiers: ClinVar variation 426109 (VCV000426109.6), dbSNP rs1114167425, ClinGen allele CA645369784.